The following is an entry in ClinVar:

NM_001297.5(CNGB1):c.2634+2T>C

Gene: CNGB1 (cyclic nucleotide gated channel subunit beta 1; minus strand). Cytogenetic location: 16q21.
Variant type: single nucleotide variant.
Coding change: c.2634+2T>C on transcript NM_001297.5 (MANE Select); the canonical splice donor site of the intron after coding-DNA position 2634, T replaced by C.
Molecular consequence: splice donor variant.
Genome position (GRCh38, 1-based): chr16:57,904,732, A>G on the plus strand (T>C on the coding strand, the complement: CNGB1 is on the minus strand). VCF-style: chr16-57904732-A-G. GRCh37 (hg19) VCF-style: chr16-57938636-A-G.
Other names: c.2616+2T>C (NM_001286130.2).
Identifiers: ClinVar variation 1065671 (VCV001065671.1), dbSNP rs2149359022, ClinGen allele CA396058421.
Genomic context (GRCh38, chr16:57,904,732, plus strand): 5'-GCAACAGTGGGAGGGGGCCCTGCAGTCAGGTGGGGTGGGAAGCTGGGCTGGTGCCCCGAT[A>G]CCTGTCCGATCATCACAGAGAAAGCAAAGACGCCCGTGAAATAATTCAGCAGCTGGAAGA-3'

ClinVar aggregate classification (germline): Likely pathogenic (1 of 4 stars; one submission).

Conditions:
Retinitis pigmentosa 45 (RP45). Identifiers: Orphanet 791, MedGen C3151066, MONDO:0013413, OMIM 613767.

Submission:

Ocular Genomics Institute, Massachusetts Eye and Ear
Classification: Likely pathogenic for Retinitis pigmentosa 45. Last evaluated: 2021-04-08. Review status: criteria provided, single submitter. Criteria: ACMG Guidelines, 2015. Collection method: research. Allele origin: germline. Affected: yes.
Comment: Through a review of available evidence we were able to apply the following criteria: PS4, PM3, PP1, PP3, PP5. Based on this evidence we have classified this variant as Likely Pathogenic.

Literature cited by the submitters: PubMed 21147909; PubMed 23105016.